The following is an entry in ClinVar:

ClinVar aggregate classification (germline): Benign/Likely benign. Review status: criteria provided, multiple submitters, no conflicts (2 of 4 stars). 3 submissions from 3 submitters: Benign (1); Likely benign (2). Last evaluated 2019-01-16.

Conditions:
Maturity-onset diabetes of the young type 6 (MODY6). Identifiers: Orphanet 552, MedGen C1853371, MONDO:0011668, OMIM 606394.

Allele frequency attached by ClinVar (database versions not stated): 1000 Genomes Project 0.00220; 1000 Genomes Project 30x 0.00265; TOPMed 0.00560; gnomAD 0.00721 and 0.00739; gnomAD exomes 0.01020.
gnomAD v4.1: 1,091 of 152,466 alleles (0.72%); highest among the groups gnomAD compares: Non-Finnish European, 1%; 4 homozygotes.

Submissions (3):

GeneDx
Classification: Likely benign. Last evaluated: 2019-01-16. Review status: criteria provided, single submitter. Criteria: GeneDx Variant Classification Process June 2021. Collection method: clinical testing. Allele origin: germline. Affected: yes.

Illumina Laboratory Services, Illumina
Classification: Benign for Maturity-onset diabetes of the young type 6. Last evaluated: 2018-01-12. Review status: criteria provided, single submitter. Criteria: ICSL Variant Classification Criteria 13 December 2019. Collection method: clinical testing. Allele origin: germline.
Comment: This variant was observed in the ICSL laboratory as part of a predisposition screen in an ostensibly healthy population. It had not been previously curated by ICSL or reported in the Human Gene Mutation Database (HGMD: prior to June 1st, 2018), and was therefore a candidate for classification through an automated scoring system. Utilizing variant allele frequency, disease prevalence and penetrance estimates, and inheritance mode, an automated score was calculated to assess if this variant is too frequent to cause the disease. Based on the score and internal cut-off values, a variant classified as benign is not then subjected to further curation. The score for this variant resulted in a classification of benign for this disease.

Breakthrough Genomics
Classification: Likely benign. Review status: criteria provided, single submitter. Criteria: ACMG Guidelines, 2015. Collection method: not provided. Allele origin: germline. Inheritance: Autosomal dominant inheritance. Affected: yes.

NM_002500.5(NEUROD1):c.-65C>T

Gene: NEUROD1 (neuronal differentiation 1; minus strand). Cytogenetic location: 2q31.3.
Variant type: single nucleotide variant.
Coding change: c.-65C>T on transcript NM_002500.5 (MANE Select); 65 bases upstream of the start codon, C replaced by T.
Molecular consequence: 5 prime UTR variant. On other transcripts: non-coding transcript variant (2).
Genome position (GRCh38, 1-based): chr2:181,680,483, G>A on the plus strand (C>T on the coding strand, the complement: NEUROD1 is on the minus strand). VCF-style: chr2-181680483-G-A. GRCh37 (hg19) VCF-style: chr2-182545210-G-A.
Identifiers: ClinVar variation 333041 (VCV000333041.9), dbSNP rs8192555, ClinGen allele CA10613426.
Genomic context (GRCh38, chr2:181,680,483, plus strand): 5'-TAATTACCTTTGTTGTTAGTAGGTCCTGAGCAGTGATAGTCTCATAACCCTGGGGCCTCC[G>A]GACGCCGCGCCTCCTGCGTGGGCGAATTCCTCGTGTCGTGGCCGCGCGGGCGCTCAGGTT-3'